The following is an entry in ClinVar:

ClinVar aggregate classification (germline): Likely pathogenic (1 of 4 stars; one submission).

Conditions:
Neurodevelopmental disorder with growth retardation, dysmorphic facies, and corpus callosum abnormalities. Identifiers: MedGen C5774251, MONDO:0859312, OMIM 620113.

gnomAD v4.1: 4 of 1,604,818 alleles (0.00025%); highest among the groups gnomAD compares: East Asian, 0.0067%; no homozygotes.

Submission:

3billion
Classification: Likely pathogenic for Neurodevelopmental disorder with growth retardation, dysmorphic facies, and corpus callosum abnormalities. Last evaluated: 2025-01-20. Review status: criteria provided, single submitter. Criteria: ACMG Guidelines, 2015. Collection method: clinical testing. Allele origin: germline. Affected: yes.
Comment: The variant is observed at an extremely low frequency in the gnomAD v4.1.0 dataset (total allele frequency: <0.001%). Predicted Consequence/Location: Canonical splice site: predicted to alter splicing and result in a loss or disruption of normal protein function. Multiple pathogenic loss-of-function variants are reported downstream of the variant. In silico tools predict the variant to alter splicing and produce an abnormal transcript [SpliceAI: 0.97 (spliceogenicity >=0.2, non-spliceogenicity <0.1)]. Therefore, this variant is classified as Likely pathogenic according to the recommendation of ACMG/AMP guideline.

NM_145246.5(FRA10AC1):c.626-1G>C

Gene: FRA10AC1 (FRA10A associated CGG repeat 1; minus strand). Cytogenetic location: 10q23.33.
Variant type: single nucleotide variant.
Coding change: c.626-1G>C on transcript NM_145246.5 (MANE Select); the canonical splice acceptor site of the intron before coding-DNA position 626, G replaced by C.
Molecular consequence: splice acceptor variant.
Genome position (GRCh38, 1-based): chr10:93,684,099, C>G on the plus strand (G>C on the coding strand, the complement: FRA10AC1 is on the minus strand). VCF-style: chr10-93684099-C-G. GRCh37 (hg19) VCF-style: chr10-95443856-C-G.
Other names: c.626-1G>C (NM_001347714.2, NM_001347715.2, NM_001347713.2 and 1 more transcripts).
Identifiers: ClinVar variation 4293096 (VCV004293096.1).